The following is an entry in ClinVar:

ClinVar aggregate classification (germline): Uncertain significance (1 of 4 stars; one submission).

Submission:

CeGaT Center for Human Genetics Tuebingen
Classification: Uncertain significance. Last evaluated: 2026-06-01. Review status: criteria provided, single submitter. Criteria: CeGaT Center For Human Genetics Tuebingen Variant Classification Criteria Version 2. Collection method: clinical testing. Allele origin: germline. Affected: yes. Observed: 1 variant allele.
Comment: GLUL: PM2, PP2

NM_001033044.4(GLUL):c.-14+1135G>T

Gene: GLUL (glutamate-ammonia ligase; minus strand). Cytogenetic location: 1q25.3.
Variant type: single nucleotide variant.
Coding change: c.-14+1135G>T on transcript NM_001033044.4 (MANE Select); 1135 bases into the intron after 14 bases upstream of the start codon, G replaced by T.
Molecular consequence: intron variant. On other transcripts: 5 prime UTR variant (1).
Genome position (GRCh38, 1-based): chr1:182,390,544, C>A on the plus strand (G>T on the coding strand, the complement: GLUL is on the minus strand). VCF-style: chr1-182390544-C-A. GRCh37 (hg19) VCF-style: chr1-182359679-C-A.
Other names: c.-61G>T (NM_002065.7); c.-14+631G>T (NM_001033056.4).
Identifiers: ClinVar variation 4873384 (VCV004873384.2).